The following is an entry in ClinVar:

ClinVar aggregate classification (germline): Uncertain significance. Review status: criteria provided, single submitter (1 of 4 stars). 2 submissions from 2 submitters: Uncertain significance (1). 1 of the submissions does not count toward it. Last evaluated 2024-11-19.

Conditions:
POLE2-related disorder. Also called: POLE2-related condition.

Allele frequency attached by ClinVar (database versions not stated): gnomAD 0.00001; TOPMed 0.00001.

Submissions (2):

Labcorp Genetics (formerly Invitae), Labcorp
Classification: Uncertain significance. Last evaluated: 2024-11-19. Review status: criteria provided, single submitter. Criteria: Invitae Variant Classification Sherloc (09022015). Collection method: clinical testing. Allele origin: germline.
Comment: This sequence change affects codon 440 of the POLE2 mRNA. It is a 'silent' change, meaning that it does not change the encoded amino acid sequence of the POLE2 protein. It affects a nucleotide within the consensus splice site. This variant is present in population databases (rs111841426, gnomAD 0.008%). This variant has not been reported in the literature in individuals affected with POLE2-related conditions. ClinVar contains an entry for this variant (Variation ID: 3044731). Algorithms developed to predict the effect of sequence changes on RNA splicing suggest that this variant is not likely to affect RNA splicing. In summary, the available evidence is currently insufficient to determine the role of this variant in disease. Therefore, it has been classified as a Variant of Uncertain Significance.

PreventionGenetics, part of Exact Sciences
Classification: Likely benign for POLE2-related condition. Last evaluated: 2019-06-05. Review status: no assertion criteria provided. Collection method: clinical testing. Allele origin: germline. Not counted in ClinVar's aggregate classification.
Comment: This variant is classified as likely benign based on ACMG/AMP sequence variant interpretation guidelines (Richards et al. 2015 PMID: 25741868, with internal and published modifications).

NM_002692.4(POLE2):c.1320C>T (p.His440=)

Gene: POLE2 (DNA polymerase epsilon 2, accessory subunit; minus strand). Cytogenetic location: 14q21.3.
Variant type: single nucleotide variant.
Coding change: c.1320C>T on transcript NM_002692.4 (MANE Select); coding-DNA position 1320, C replaced by T.
Protein change: p.His440=; no amino-acid change (histidine 440 retained).
Molecular consequence: synonymous variant.
Genome position (GRCh38, 1-based): chr14:49,651,269, G>A on the plus strand (C>T on the coding strand, the complement: POLE2 is on the minus strand). VCF-style: chr14-49651269-G-A. GRCh37 (hg19) VCF-style: chr14-50117987-G-A.
Other names: c.1242C>T, p.His414= (NM_001197330.2); c.1320C>T, p.His440= (NM_001197331.3); c.1317C>T, p.His439= (NM_001348384.2); c.1089C>T, p.His363= (NM_001348385.2).
Identifiers: ClinVar variation 3044731 (VCV003044731.4), dbSNP rs111841426, ClinGen allele CA7173313.